The following is an entry in ClinVar:

ClinVar aggregate classification (germline): Uncertain significance (1 of 4 stars; one submission).

Submission:

Ambry Genetics
Classification: Uncertain significance. Last evaluated: 2024-10-05. Review status: criteria provided, single submitter. Criteria: Ambry Variant Classification Scheme 2023. Collection method: clinical testing. Allele origin: germline.
Comment: The p.L1914P variant (also known as c.5741T>C), located in coding exon 8 of the ALPK2 gene, results from a T to C substitution at nucleotide position 5741. The leucine at codon 1914 is replaced by proline, an amino acid with similar properties. This amino acid position is conserved. In addition, the in silico prediction for this alteration is inconclusive. Based on the available evidence, the clinical significance of this variant remains unclear.

NM_052947.4(ALPK2):c.5741T>C (p.Leu1914Pro)

Gene: ALPK2 (alpha kinase 2; minus strand). Cytogenetic location: 18q21.31.
Variant type: single nucleotide variant.
Coding change: c.5741T>C on transcript NM_052947.4 (MANE Select); coding-DNA position 5741, T replaced by C.
Protein change: p.Leu1914Pro; replaces leucine 1914 with proline.
Molecular consequence: missense variant.
Genome position (GRCh38, 1-based): chr18:58,517,107, A>G on the plus strand (T>C on the coding strand, the complement: ALPK2 is on the minus strand). VCF-style: chr18-58517107-A-G. GRCh37 (hg19) VCF-style: chr18-56184339-A-G.
Other names: short protein forms L1914P.
Identifiers: ClinVar variation 3529932 (VCV003529932.1).
Genomic context (GRCh38, chr18:58,517,107, plus strand): 5'-AAGGCTTTGCGGTGAACCCCTTCTCCAAAGTGCAGCTCCTCCGTGGCGATCTGACCACGC[A>G]GGCGGCCCCCAAAGTAGCTGTCATGGAGGAAGTCTTCTTTGAAGATGAGTTGGCTGAATT-3'
Protein context (NP_443179.3, residues 1904-1924): FLHDSYFGGR[Leu1914Pro]RGQIATEELH